The following is an entry in ClinVar:

ClinVar aggregate classification (germline): Uncertain significance. Review status: criteria provided, multiple submitters, no conflicts (2 of 4 stars). 2 submissions from 2 submitters: Uncertain significance (2). Last evaluated 2025-09-11.

Conditions:
Hereditary cancer-predisposing syndrome. Also called: Neoplastic Syndromes, Hereditary; Tumor predisposition; Hereditary Cancer Syndrome; Hereditary neoplastic syndrome. Identifiers: Orphanet 140162, MedGen C0027672, MeSH D009386, MONDO:0015356.

Submissions (2):

Ambry Genetics
Classification: Uncertain significance for Hereditary cancer-predisposing syndrome. Last evaluated: 2025-09-11. Review status: criteria provided, single submitter. Criteria: Ambry Variant Classification Scheme 2023. Collection method: clinical testing. Allele origin: germline.
Comment: The p.S7F variant (also known as c.20C>T), located in coding exon 1 of the NTHL1 gene, results from a C to T substitution at nucleotide position 20. The serine at codon 7 is replaced by phenylalanine, an amino acid with highly dissimilar properties. This amino acid position is not well conserved in available vertebrate species. In addition, this alteration is predicted to be tolerated by in silico analysis. Since supporting evidence is limited at this time, the clinical significance of this alteration remains unclear.

Labcorp Genetics (formerly Invitae), Labcorp
Classification: Uncertain significance. Last evaluated: 2022-11-09. Review status: criteria provided, single submitter. Criteria: Invitae Variant Classification Sherloc (09022015). Collection method: clinical testing. Allele origin: germline.
Comment: This variant has not been reported in the literature in individuals affected with NTHL1-related conditions. Algorithms developed to predict the effect of missense changes on protein structure and function output the following: SIFT: "Not Available"; PolyPhen-2: "Benign"; Align-GVGD: "Not Available". The phenylalanine amino acid residue is found in multiple mammalian species, which suggests that this missense change does not adversely affect protein function. In summary, the available evidence is currently insufficient to determine the role of this variant in disease. Therefore, it has been classified as a Variant of Uncertain Significance. The frequency data for this variant in the population databases is considered unreliable, as metrics indicate poor data quality at this position in the gnomAD database. This sequence change replaces serine, which is neutral and polar, with phenylalanine, which is neutral and non-polar, at codon 7 of the NTHL1 protein (p.Ser7Phe).

NM_002528.7(NTHL1):c.-5C>T

Gene: NTHL1 (nth like DNA glycosylase 1; minus strand). Cytogenetic location: 16p13.3.
Variant type: single nucleotide variant.
Coding change: c.-5C>T on transcript NM_002528.7 (MANE Select); 5 bases upstream of the start codon, C replaced by T.
Molecular consequence: 5 prime UTR variant.
Genome position (GRCh38, 1-based): chr16:2,047,828, G>A on the plus strand (C>T on the coding strand, the complement: NTHL1 is on the minus strand). VCF-style: chr16-2047828-G-A. GRCh37 (hg19) VCF-style: chr16-2097829-G-A.
Other names: c.-5C>T (NM_001318193.2); c.-183C>T (NM_001318194.2).
Identifiers: ClinVar variation 1785879 (VCV001785879.8), dbSNP rs552723791, ClinGen allele CA276766801.